The following is an entry in ClinVar:

NM_020937.4(FANCM):c.1423G>A (p.Asp475Asn)

Gene: FANCM (FA complementation group M; plus strand). Cytogenetic location: 14q21.2.
Variant type: single nucleotide variant.
Coding change: c.1423G>A on transcript NM_020937.4 (MANE Select); coding-DNA position 1423, G replaced by A.
Protein change: p.Asp475Asn; replaces aspartic acid 475 with asparagine.
Molecular consequence: missense variant.
Genome position (GRCh38, 1-based): chr14:45,159,122, G>A. VCF-style: chr14-45159122-G-A. GRCh37 (hg19) VCF-style: chr14-45628325-G-A.
Other names: c.1345G>A, p.Asp449Asn (NM_001308133.2); c.1423G>A, p.Asp475Asn (NM_001308134.2); short protein forms D475N, D449N.
Identifiers: ClinVar variation 408217 (VCV000408217.9), dbSNP rs1060501892, ClinGen allele CA16614438.

ClinVar aggregate classification (germline): Uncertain significance. Review status: criteria provided, multiple submitters, no conflicts (2 of 4 stars). 2 submissions from 2 submitters: Uncertain significance (2). Last evaluated 2025-08-30.

Conditions:
Inborn genetic diseases. Identifiers: MedGen C0950123, MeSH D030342.
Fanconi anemia (FA). Also called: Fanconi's anemia. Identifiers: Orphanet 84, MedGen C0015625, MeSH D005199, MONDO:0019391.

Submissions (2):

Ambry Genetics
Classification: Uncertain significance for Inborn genetic diseases. Last evaluated: 2025-08-30. Review status: criteria provided, single submitter. Criteria: Ambry Variant Classification Scheme 2023. Collection method: clinical testing. Allele origin: germline.
Comment: The p.D475N variant (also known as c.1423G>A), located in coding exon 9 of the FANCM gene, results from a G to A substitution at nucleotide position 1423. The aspartic acid at codon 475 is replaced by asparagine, an amino acid with highly similar properties. This amino acid position is conserved. In addition, this alteration is predicted to be tolerated by in silico analysis. Based on the available evidence, the clinical significance of this variant remains unclear.

Labcorp Genetics (formerly Invitae), Labcorp
Classification: Uncertain significance for Fanconi anemia. Last evaluated: 2021-12-25. Review status: criteria provided, single submitter. Criteria: Invitae Variant Classification Sherloc (09022015). Collection method: clinical testing. Allele origin: germline.
Comment: In summary, the available evidence is currently insufficient to determine the role of this variant in disease. Therefore, it has been classified as a Variant of Uncertain Significance. Algorithms developed to predict the effect of missense changes on protein structure and function (SIFT, PolyPhen-2, Align-GVGD) all suggest that this variant is likely to be tolerated. ClinVar contains an entry for this variant (Variation ID: 408217). This variant has not been reported in the literature in individuals affected with FANCM-related conditions. This variant is not present in population databases (gnomAD no frequency). This sequence change replaces aspartic acid, which is acidic and polar, with asparagine, which is neutral and polar, at codon 475 of the FANCM protein (p.Asp475Asn).